The following is an entry in ClinVar:

NM_001242.5(CD27):c.136+2T>C

Genes: CD27-AS1 (CD27 antisense RNA 1; minus strand), CD27 (CD27 molecule; plus strand). Cytogenetic location: 12p13.31.
Variant type: single nucleotide variant.
Coding change: c.136+2T>C on transcript NM_001242.5 (MANE Select); the canonical splice donor site of the intron after coding-DNA position 136, T replaced by C.
Molecular consequence: splice donor variant. On other transcripts: intron variant (3).
Genome position (GRCh38, 1-based): chr12:6,445,233, T>C. VCF-style: chr12-6445233-T-C. GRCh37 (hg19) VCF-style: chr12-6554399-T-C.
Other names: c.-402-191T>C (NM_001413267.1); c.-314-191T>C (NM_001413266.1, NM_001413268.1); c.136+2T>C (NM_001413263.1, NM_001413265.1, NM_001413264.1).
Identifiers: ClinVar variation 4852612 (VCV004852612.2).

ClinVar aggregate classification (germline): Likely pathogenic (1 of 4 stars; one submission).

Submission:

Dasa
Classification: Likely pathogenic. Last evaluated: 2024-09-16. Review status: criteria provided, single submitter. Criteria: DASA Assertion Criteria. Collection method: clinical testing. Allele origin: germline.
Comment: NM_001242.5(CD27):c.136+2T>C affects a canonical splice site and is predicted to disrupt normal RNA splicing. Loss of function is an established disease mechanism for CD27-associated disorders. Also, this variant is absent from population databases. Based on the currently available evidence, this variant is classified as likely pathogenic.